The following is an entry in ClinVar:

NM_000428.3(LTBP2):c.4252_4274del (p.Lys1418fs)

Gene: LTBP2 (latent transforming growth factor beta binding protein 2; minus strand). Cytogenetic location: 14q24.3.
Variant type: Deletion.
Coding change: c.4252_4274del on transcript NM_000428.3 (MANE Select); coding-DNA positions 4252 to 4274, 23 bases deleted (AAGGGCCATGCGCCCTGCTCCAG).
Protein change: p.Lys1418fs; shifts the reading frame from lysine 1418.
Molecular consequence: frameshift variant.
Genome position (GRCh38, 1-based): chr14:74,505,078-74,505,100, CTGGAGCAGGGCGCATGGCCCTT deleted on the plus strand (AAGGGCCATGCGCCCTGCTCCAG on the coding strand, the reverse complement: LTBP2 is on the minus strand); deleting any 23 consecutive bases within chr14:74,505,078-74,505,103 gives the same sequence; the c. name uses the placement nearest the transcript's 3' end. VCF-style (leftmost placement, unchanged base first): chr14-74505077-ACTGGAGCAGGGCGCATGGCCCTT-A. GRCh37 (hg19) VCF-style: chr14-74971780-ACTGGAGCAGGGCGCATGGCCCTT-A.
Other names: short protein forms K1418fs.
Identifiers: ClinVar variation 4724347 (VCV004724347.1).
Genomic context (GRCh38, chr14:74,505,077, plus strand): 5'-TCCCCAGCTAGCGCCCTGGGTGCAGCAGCATTCAGCCTGTGTGGTGTTCCGGCCCAGGAC[ACTGGAGCAGGGCGCATGGCCCTT>A]CTGCCCGGAGTAGCAGTCCATGCGGGTGGGGGCCGGGGCATGGTCCCCCGTTGGGGCCTC-3'

ClinVar aggregate classification (germline): Pathogenic (1 of 4 stars; one submission).

Submission:

Labcorp Genetics (formerly Invitae), Labcorp
Classification: Pathogenic. Last evaluated: 2025-07-30. Review status: criteria provided, single submitter. Criteria: Invitae Variant Classification Sherloc (09022015). Collection method: clinical testing. Allele origin: germline.
Comment: This sequence change creates a premature translational stop signal (p.Lys1418Cysfs*10) in the LTBP2 gene. It is expected to result in an absent or disrupted protein product. Loss-of-function variants in LTBP2 are known to be pathogenic (PMID: 19361779, 19656777, 22025892). This variant is not present in population databases (gnomAD no frequency). This variant has not been reported in the literature in individuals affected with LTBP2-related conditions. For these reasons, this variant has been classified as Pathogenic.

Literature cited by the submitters: PubMed 19361779; PubMed 19656777; PubMed 22025892.